The following is an entry in ClinVar:

NM_000553.6(WRN):c.*570A>G

Gene: WRN (WRN RecQ like helicase; plus strand). Cytogenetic location: 8p12.
Variant type: single nucleotide variant.
Coding change: c.*570A>G on transcript NM_000553.6 (MANE Select); 570 bases downstream of the stop codon, A replaced by G.
Molecular consequence: 3 prime UTR variant.
Genome position (GRCh38, 1-based): chr8:31,173,672, A>G. VCF-style: chr8-31173672-A-G. GRCh37 (hg19) VCF-style: chr8-31031188-A-G.
Identifiers: ClinVar variation 362822 (VCV000362822.5), dbSNP rs11574415, ClinGen allele CA10630905.

ClinVar aggregate classification (germline): Benign (1 of 4 stars; one submission).

Conditions:
Werner syndrome (WRN). Identifiers: Orphanet 902, MedGen C0043119, MONDO:0010196, OMIM 277700.

Allele frequency attached by ClinVar (database versions not stated): gnomAD exomes 0.00426; gnomAD 0.03103 and 0.03313; TOPMed 0.03579; 1000 Genomes Project 0.03654; 1000 Genomes Project 30x 0.03841.
gnomAD v4.1: 4,765 of 167,360 alleles (2.8%); highest among the groups gnomAD compares: African/African-American, 11%; 231 homozygotes.

Submission:

Illumina Laboratory Services, Illumina
Classification: Benign for Werner syndrome. Last evaluated: 2018-01-12. Review status: criteria provided, single submitter. Criteria: ICSL Variant Classification Criteria 13 December 2019. Collection method: clinical testing. Allele origin: germline.
Comment: This variant was observed in the ICSL laboratory as part of a predisposition screen in an ostensibly healthy population. It had not been previously curated by ICSL or reported in the Human Gene Mutation Database (HGMD: prior to June 1st, 2018), and was therefore a candidate for classification through an automated scoring system. Utilizing variant allele frequency, disease prevalence and penetrance estimates, and inheritance mode, an automated score was calculated to assess if this variant is too frequent to cause the disease. Based on the score and internal cut-off values, a variant classified as benign is not then subjected to further curation. The score for this variant resulted in a classification of benign for this disease.